The following is an entry in ClinVar:

ClinVar aggregate classification (germline): Conflicting classifications of pathogenicity. Review status: criteria provided, conflicting classifications (1 of 4 stars). 4 submissions from 4 submitters: Uncertain significance (1); Likely benign (2). 1 of the submissions does not count toward it. Last evaluated 2025-08-21.

Conditions:
Inborn genetic diseases. Identifiers: MedGen C0950123, MeSH D030342.
SRCAP-related disorder. Also called: SRCAP-related condition.

Allele frequency attached by ClinVar (database versions not stated): ExAC 0.00003; ESP Exome Variant Server 0.00008.
gnomAD v4.1: 130 of 1,604,988 alleles (0.0081%); highest among the groups gnomAD compares: Admixed American, 0.044%; 1 homozygote.

Submissions (4):

Ambry Genetics
Classification: Likely benign for Inborn genetic diseases. Last evaluated: 2025-08-21. Review status: criteria provided, single submitter. Criteria: Ambry Variant Classification Scheme 2023. Collection method: clinical testing. Allele origin: germline.

CeGaT Center for Human Genetics Tuebingen
Classification: Likely benign. Last evaluated: 2025-07-01. Review status: criteria provided, single submitter. Criteria: CeGaT Center For Human Genetics Tuebingen Variant Classification Criteria Version 2. Collection method: clinical testing. Allele origin: germline. Affected: yes. Observed: 1 variant allele.
Comment: SRCAP: BP4, BS2

Labcorp Genetics (formerly Invitae), Labcorp
Classification: Uncertain significance. Last evaluated: 2023-09-30. Review status: criteria provided, single submitter. Criteria: Invitae Variant Classification Sherloc (09022015). Collection method: clinical testing. Allele origin: germline.
Comment: This sequence change replaces alanine, which is neutral and non-polar, with serine, which is neutral and polar, at codon 2850 of the SRCAP protein (p.Ala2850Ser). This variant is present in population databases (rs146681342, gnomAD 0.02%). This variant has not been reported in the literature in individuals affected with SRCAP-related conditions. In summary, the available evidence is currently insufficient to determine the role of this variant in disease. Therefore, it has been classified as a Variant of Uncertain Significance. Advanced modeling of protein sequence and biophysical properties (such as structural, functional, and spatial information, amino acid conservation, physicochemical variation, residue mobility, and thermodynamic stability) performed at Invitae indicates that this missense variant is not expected to disrupt SRCAP protein function.

PreventionGenetics, part of Exact Sciences
Classification: Uncertain significance for SRCAP-related condition. Last evaluated: 2023-12-21. Review status: no assertion criteria provided. Collection method: clinical testing. Allele origin: germline. Not counted in ClinVar's aggregate classification.
Comment: The SRCAP c.8548G>T variant is predicted to result in the amino acid substitution p.Ala2850Ser. To our knowledge, this variant has not been reported in the literature. This variant is reported in 0.024% of alleles in individuals of Latino descent in gnomAD. Although we suspect that this variant may be benign, at this time, the clinical significance of this variant is uncertain due to the absence of conclusive functional and genetic evidence.

NM_006662.3(SRCAP):c.8548G>T (p.Ala2850Ser)

Gene: SRCAP (Snf2 related CREBBP activator protein; plus strand). Cytogenetic location: 16p11.2.
Variant type: single nucleotide variant.
Coding change: c.8548G>T on transcript NM_006662.3 (MANE Select); coding-DNA position 8548, G replaced by T.
Protein change: p.Ala2850Ser; replaces alanine 2850 with serine.
Molecular consequence: missense variant.
Genome position (GRCh38, 1-based): chr16:30,738,588, G>T. VCF-style: chr16-30738588-G-T. GRCh37 (hg19) VCF-style: chr16-30749909-G-T.
Other names: c.8548G>T (NM_006662.2); short protein forms A2850S.
Identifiers: ClinVar variation 2968024 (VCV002968024.14), dbSNP rs146681342, ClinGen allele CA8012726.
Genomic context (GRCh38, chr16:30,738,588, plus strand): 5'-CACATTGAGCTGGGGGTGACTGGTGGTGGCAGCCCCGAGAATGGAGACGGAGCACTGCTC[G>T]CCATCACCCCACCTGCTGTGAAACGTCGGAGGGGGAGGCCCCCCAAGAAGAACAGGTCTC-3'
Protein context (NP_006653.2, residues 2840-2860): SPENGDGALL[Ala2850Ser]ITPPAVKRRR